The following is an entry in ClinVar:

NM_001939.3(DRP2):c.1292A>G (p.Asn431Ser)

Gene: DRP2 (dystrophin related protein 2; plus strand). Cytogenetic location: Xq22.1.
Variant type: single nucleotide variant.
Coding change: c.1292A>G on transcript NM_001939.3 (MANE Select); coding-DNA position 1292, A replaced by G.
Protein change: p.Asn431Ser; replaces asparagine 431 with serine.
Molecular consequence: missense variant.
Genome position (GRCh38, 1-based): chrX:101,248,128, A>G. VCF-style: chrX-101248128-A-G. GRCh37 (hg19) VCF-style: chrX-100503117-A-G.
Other names: c.1058A>G, p.Asn353Ser (NM_001171184.2); c.1292A>G (NM_001939.2); short protein forms N353S, N431S.
Identifiers: ClinVar variation 2983194 (VCV002983194.4), dbSNP rs776672390, ClinGen allele CA10472243.
Genomic context (GRCh38, chrX:101,248,128, plus strand): 5'-CTTCTCTTCTTTCCTTACCAGTGGACCTGGTAACTTTAACCACAGCCCTGGAAATCTTCA[A>G]TGAGCATGATCTGCAGGCCAGTGAGCACGTGATGGATGTGGTAGAGGTCATTCACTGCCT-3'
Protein context (NP_001930.2, residues 421-441): VTLTTALEIF[Asn431Ser]EHDLQASEHV

ClinVar aggregate classification (germline): Uncertain significance. Review status: criteria provided, multiple submitters, no conflicts (2 of 4 stars). 2 submissions from 2 submitters: Uncertain significance (2). Last evaluated 2024-01-04.

Allele frequency attached by ClinVar (database versions not stated): gnomAD exomes 0.00002; TOPMed 0.00003; gnomAD 0.00004; ExAC 0.00006.
gnomAD v4.1: 25 of 1,209,521 alleles (0.0021%); highest among the groups gnomAD compares: East Asian, 0.003%; no homozygotes.

Submissions (2):

Ambry Genetics
Classification: Uncertain significance. Last evaluated: 2024-01-04. Review status: criteria provided, single submitter. Criteria: Ambry Variant Classification Scheme 2023. Collection method: clinical testing. Allele origin: germline.

Labcorp Genetics (formerly Invitae), Labcorp
Classification: Uncertain significance. Last evaluated: 2023-07-06. Review status: criteria provided, single submitter. Criteria: Invitae Variant Classification Sherloc (09022015). Collection method: clinical testing. Allele origin: germline.
Comment: This sequence change replaces asparagine, which is neutral and polar, with serine, which is neutral and polar, at codon 431 of the DRP2 protein (p.Asn431Ser). This variant is present in population databases (rs776672390, gnomAD 0.009%). This variant has not been reported in the literature in individuals affected with DRP2-related conditions. Advanced modeling of protein sequence and biophysical properties (such as structural, functional, and spatial information, amino acid conservation, physicochemical variation, residue mobility, and thermodynamic stability) performed at Invitae indicates that this missense variant is not expected to disrupt DRP2 protein function. In summary, the available evidence is currently insufficient to determine the role of this variant in disease. Therefore, it has been classified as a Variant of Uncertain Significance.